The following is an entry in ClinVar:

ClinVar aggregate classification (germline): Uncertain significance (1 of 4 stars; one submission).

Conditions:
Autosomal dominant hypocalcemia 1 (HYPOC1). Also called: HYPOCALCEMIA, FAMILIAL. Identifiers: MedGen C3715128, MONDO:0011013, OMIM 601198.
Familial hypocalciuric hypercalcemia (FHH). Also called: Familial benign hypercalcemia. Identifiers: Orphanet 405, MedGen C1809471, MONDO:0018458.

Submission:

Labcorp Genetics (formerly Invitae), Labcorp
Classification: Uncertain significance for Familial hypocalciuric hypercalcemia; Autosomal dominant hypocalcemia 1. Last evaluated: 2023-09-26. Review status: criteria provided, single submitter. Criteria: Invitae Variant Classification Sherloc (09022015). Collection method: clinical testing. Allele origin: germline.
Comment: This sequence change replaces glutamic acid, which is acidic and polar, with alanine, which is neutral and non-polar, at codon 610 of the CASR protein (p.Glu610Ala). This variant is not present in population databases (gnomAD no frequency). This variant has not been reported in the literature in individuals affected with CASR-related conditions. An algorithm developed to predict the effect of missense changes on protein structure and function (PolyPhen-2) suggests that this variant is likely to be disruptive. In summary, the available evidence is currently insufficient to determine the role of this variant in disease. Therefore, it has been classified as a Variant of Uncertain Significance.

NM_000388.4(CASR):c.1829A>C (p.Glu610Ala)

Gene: CASR (calcium sensing receptor; plus strand). Cytogenetic location: 3q21.1.
Variant type: single nucleotide variant.
Coding change: c.1829A>C on transcript NM_000388.4 (MANE Select); coding-DNA position 1829, A replaced by C.
Protein change: p.Glu610Ala; replaces glutamic acid 610 with alanine.
Molecular consequence: missense variant.
Genome position (GRCh38, 1-based): chr3:122,283,783, A>C. VCF-style: chr3-122283783-A-C. GRCh37 (hg19) VCF-style: chr3-122002630-A-C.
Other names: c.1859A>C, p.Glu620Ala (NM_001178065.2); short protein forms E610A, E620A.
Identifiers: ClinVar variation 2952296 (VCV002952296.3), dbSNP rs2473276435, ClinGen allele CA354157527.